The following is an entry in ClinVar:

ClinVar aggregate classification (germline): Pathogenic (1 of 4 stars; one submission).

Conditions:
Familial cancer of breast. Also called: BREAST CANCER, FAMILIAL; Hereditary breast cancer; hereditary breast carcinoma. Identifiers: Orphanet 227535, MedGen C0346153, MONDO:0016419, OMIM 114480. Disease mechanism: loss of function.

Submission:

Labcorp Genetics (formerly Invitae), Labcorp
Classification: Pathogenic for Familial cancer of breast. Last evaluated: 2024-10-03. Review status: criteria provided, single submitter. Criteria: Invitae Variant Classification Sherloc (09022015). Collection method: clinical testing. Allele origin: germline.
Comment: This sequence change creates a premature translational stop signal (p.Ser435*) in the CHEK2 gene. It is expected to result in an absent or disrupted protein product. Loss-of-function variants in CHEK2 are known to be pathogenic (PMID: 21876083, 24713400). This variant is not present in population databases (gnomAD no frequency). This variant has not been reported in the literature in individuals affected with CHEK2-related conditions. For these reasons, this variant has been classified as Pathogenic.

Literature cited by the submitters: PubMed 21876083; PubMed 24713400.

NM_007194.4(CHEK2):c.1304C>G (p.Ser435Ter)

Gene: CHEK2 (checkpoint kinase 2; minus strand). Cytogenetic location: 22q12.1.
Variant type: single nucleotide variant.
Coding change: c.1304C>G on transcript NM_007194.4 (MANE Select); coding-DNA position 1304, C replaced by G.
Protein change: p.Ser435Ter; replaces serine 435 with a stop codon.
Molecular consequence: nonsense.
Genome position (GRCh38, 1-based): chr22:28,695,198, G>C on the plus strand (C>G on the coding strand, the complement: CHEK2 is on the minus strand). VCF-style: chr22-28695198-G-C. GRCh37 (hg19) VCF-style: chr22-29091186-G-C.
Other names: c.1433C>G, p.Ser478Ter (NM_001005735.3); c.641C>G, p.Ser214Ter (NM_001257387.3); c.1103C>G, p.Ser368Ter (NM_001349956.3); c.1217C>G, p.Ser406Ter (NM_145862.3); short protein forms S435*, S214*, S406*, S478*, S368*.
Identifiers: ClinVar variation 3722169 (VCV003722169.2).